The following is an entry in ClinVar:

ClinVar aggregate classification (germline): Likely benign. Review status: criteria provided, single submitter (1 of 4 stars). 3 submissions from 3 submitters: Likely benign (1). 2 of the submissions do not count toward it. Last evaluated 2025-04-01.

Allele frequency attached by ClinVar (database versions not stated): 1000 Genomes Project 30x 0.00031; ESP Exome Variant Server 0.00065; gnomAD 0.00072 and 0.00073; ExAC 0.00091.

Submissions (3):

CeGaT Center for Human Genetics Tuebingen
Classification: Likely benign. Last evaluated: 2025-04-01. Review status: criteria provided, single submitter. Criteria: CeGaT Center For Human Genetics Tuebingen Variant Classification Criteria Version 2. Collection method: clinical testing. Allele origin: germline. Affected: yes. Observed: 1 variant allele.
Comment: MAST4: BS1

Clinical Genetics DNA and cytogenetics Diagnostics Lab, Erasmus MC, Erasmus Medical Center
Classification: Uncertain significance. Review status: no assertion criteria provided. Collection method: clinical testing. Allele origin: germline. Affected: yes. Study: VKGL Data-share Consensus. Not counted in ClinVar's aggregate classification.

Laboratory of Diagnostic Genome Analysis, Leiden University Medical Center (LUMC)
Classification: Uncertain significance. Review status: no assertion criteria provided. Collection method: clinical testing. Allele origin: germline. Affected: yes. Study: VKGL Data-share Consensus. Not counted in ClinVar's aggregate classification.

NM_001164664.2(MAST4):c.400C>T (p.Arg134Trp)

Gene: MAST4 (microtubule associated serine/threonine kinase family member 4; plus strand). Cytogenetic location: 5q12.3.
Variant type: single nucleotide variant.
Coding change: c.400C>T on transcript NM_001164664.2 (MANE Select); coding-DNA position 400, C replaced by T.
Protein change: p.Arg134Trp; replaces arginine 134 with tryptophan.
Molecular consequence: missense variant.
Genome position (GRCh38, 1-based): chr5:66,759,745, C>T. VCF-style: chr5-66759745-C-T. GRCh37 (hg19) VCF-style: chr5-66055573-C-T.
Other names: c.400C>T, p.Arg134Trp (NM_001290228.2, NM_001393524.1, NM_001393525.1 and 1 more transcripts); short protein forms R134W.
Identifiers: ClinVar variation 1205923 (VCV001205923.9), dbSNP rs200785678, ClinGen allele CA3287427.